The following is an entry in ClinVar:

ClinVar aggregate classification (germline): Benign/Likely benign. Review status: criteria provided, multiple submitters, no conflicts (2 of 4 stars). 10 submissions from 10 submitters: Benign (7); Likely benign (3). Last evaluated 2026-09-01.

Conditions:
Schinzel-Giedion syndrome (SGS). Identifiers: Orphanet 798, MedGen C0265227, MONDO:0010010, OMIM 269150.
Intellectual developmental disorder, autosomal dominant 29. Also called: Intellectual disability, autosomal dominant 29; SETBP1 Haploinsufficiency Disorder. Identifiers: Orphanet 436151, MedGen C4015141, MONDO:0014482, OMIM 616078.

Allele frequency attached by ClinVar (database versions not stated): gnomAD 0.00689 and 0.00671; ExAC 0.00629; TOPMed 0.00669; 1000 Genomes Project 30x 0.00344; 1000 Genomes Project 0.00379; gnomAD exomes 0.00681 and 0.00929; ESP Exome Variant Server 0.00907.
gnomAD v4.1: 14,611 of 1,613,842 alleles (0.91%); highest among the groups gnomAD compares: Non-Finnish European, 1.1%; 87 homozygotes.

Submissions (10):

CeGaT Center for Human Genetics Tuebingen
Classification: Benign. Last evaluated: 2026-09-01. Review status: criteria provided, single submitter. Criteria: CeGaT Center For Human Genetics Tuebingen Variant Classification Criteria Version 2. Collection method: clinical testing. Allele origin: germline. Affected: yes. Observed: 64 variant alleles.
Comment: SETBP1: BP4, BS1, BS2

Labcorp Genetics (formerly Invitae), Labcorp
Classification: Benign. Last evaluated: 2026-02-03. Review status: criteria provided, single submitter. Criteria: Invitae Variant Classification Sherloc (09022015). Collection method: clinical testing. Allele origin: germline.

ARUP Laboratories, Molecular Genetics and Genomics, ARUP Laboratories
Classification: Benign. Last evaluated: 2025-03-20. Review status: criteria provided, single submitter. Criteria: ARUP Molecular Germline Variant Investigation Process 2024. Collection method: clinical testing. Allele origin: germline.

Blueprint Genetics
Classification: Likely benign. Last evaluated: 2024-11-28. Review status: criteria provided, single submitter. Criteria: ACMG Guidelines, 2015. Collection method: clinical testing. Allele origin: germline.

KCCC/NGS Laboratory, Kuwait Cancer Control Center
Classification: Likely benign for Schinzel-Giedion syndrome. Last evaluated: 2023-07-07. Review status: criteria provided, single submitter. Criteria: ACMG Guidelines, 2015. Collection method: clinical testing. Allele origin: germline. Affected: yes.

Fulgent Genetics
Classification: Likely benign for Schinzel-Giedion syndrome; Intellectual developmental disorder, autosomal dominant 29. Last evaluated: 2022-04-06. Review status: criteria provided, single submitter. Criteria: ACMG Guidelines, 2015. Collection method: clinical testing. Allele origin: unknown.

Athena Diagnostics
Classification: Benign. Last evaluated: 2020-01-08. Review status: criteria provided, single submitter. Criteria: Athena Diagnostics Criteria. Collection method: clinical testing. Allele origin: unknown.

GeneDx
Classification: Benign. Last evaluated: 2018-11-09. Review status: criteria provided, single submitter. Criteria: GeneDx Variant Classification Process June 2021. Collection method: clinical testing. Allele origin: germline. Affected: yes.

Genetic Services Laboratory, University of Chicago
Classification: Benign. Last evaluated: 2017-12-27. Review status: criteria provided, single submitter. Criteria: ACMG Guidelines, 2015. Collection method: clinical testing. Allele origin: germline. Affected: no.

Breakthrough Genomics
Classification: Benign. Review status: criteria provided, single submitter. Criteria: ACMG Guidelines, 2015. Collection method: not provided. Allele origin: germline. Inheritance: Autosomal dominant inheritance. Affected: yes.

NM_015559.3(SETBP1):c.3618T>C (p.His1206=)

Gene: SETBP1 (SET binding protein 1; plus strand). Cytogenetic location: 18q12.3.
Variant type: single nucleotide variant.
Coding change: c.3618T>C on transcript NM_015559.3 (MANE Select); coding-DNA position 3618, T replaced by C.
Protein change: p.His1206=; no amino-acid change (histidine 1206 retained).
Molecular consequence: synonymous variant.
Genome position (GRCh38, 1-based): chr18:44,952,958, T>C. VCF-style: chr18-44952958-T-C. GRCh37 (hg19) VCF-style: chr18-42532923-T-C.
Other names: c.3618T>C, p.His1206= (LRG_1150t1).
Identifiers: ClinVar variation 326753 (VCV000326753.52), dbSNP rs34882016, ClinGen allele CA8945946.